The following is an entry in ClinVar:

NM_000059.4(BRCA2):c.5216_5217insAAA (p.Tyr1739Ter)

Gene: BRCA2 (BRCA2 DNA repair associated; plus strand). Cytogenetic location: 13q13.1.
Variant type: Insertion.
Coding change: c.5216_5217insAAA on transcript NM_000059.4 (MANE Select); coding-DNA positions 5216 to 5217, AAA inserted.
Protein change: p.Tyr1739Ter; replaces tyrosine 1739 with a stop codon.
Molecular consequence: nonsense.
Genome position: GRCh38 VCF-style: chr13-32339570-T-TAAA. GRCh37 (hg19) VCF-style: chr13-32913707-T-TAAA.
Other names: short protein forms Y1739*.
Identifiers: ClinVar variation 825556 (VCV000825556.8), dbSNP rs886040578, ClinGen allele CA915948486.

ClinVar aggregate classification (germline): Pathogenic. Review status: criteria provided, multiple submitters, no conflicts (2 of 4 stars). 2 submissions from 2 submitters: Pathogenic (2). Last evaluated 2025-08-29.

Conditions:
Hereditary breast ovarian cancer syndrome. Also called: Hereditary breast and ovarian cancer syndrome; Hereditary breast and ovarian cancer; Hereditary breast and ovarian cancer syndrome (HBOC); Breast and ovarian cancer; Hereditary breast and/or ovarian cancer syndrome; BRCA1- and BRCA2-Associated Hereditary Breast and Ovarian Cancer. Identifiers: Orphanet 145, MedGen C0677776, MeSH D061325, MONDO:0003582. Disease mechanism: loss of function.
Hereditary cancer-predisposing syndrome. Also called: Neoplastic Syndromes, Hereditary; Tumor predisposition; Hereditary neoplastic syndrome; Hereditary Cancer Syndrome. Identifiers: Orphanet 140162, MedGen C0027672, MeSH D009386, MONDO:0015356.

Submissions (2):

Ambry Genetics
Classification: Pathogenic for Hereditary cancer-predisposing syndrome. Last evaluated: 2025-08-29. Review status: criteria provided, single submitter. Criteria: Ambry Variant Classification Scheme 2023. Collection method: clinical testing. Allele origin: germline.
Comment: The c.5216_5217insAAA pathogenic mutation, located in coding exon 10 of the BRCA2 gene, results from an in-frame AAA insertion at nucleotide position 5216. This results in the creation of a predicted alternate stop codon at codon 1739 (p.Y1739*). This variant is considered to be rare based on population cohorts in the Genome Aggregation Database (gnomAD). This alteration is expected to result in loss of function by premature protein truncation or nonsense-mediated mRNA decay. As such, this alteration is interpreted as a disease-causing mutation.

Labcorp Genetics (formerly Invitae), Labcorp
Classification: Pathogenic for Hereditary breast ovarian cancer syndrome. Last evaluated: 2025-03-19. Review status: criteria provided, single submitter. Criteria: Invitae Variant Classification Sherloc (09022015). Collection method: clinical testing. Allele origin: germline.
Comment: This sequence change creates a premature translational stop signal (p.Tyr1739*) in the BRCA2 gene. It is expected to result in an absent or disrupted protein product. Loss-of-function variants in BRCA2 are known to be pathogenic (PMID: 20104584). This variant is not present in population databases (gnomAD no frequency). This premature translational stop signal has been observed in individual(s) with breast cancer (PMID: 31771539). This variant is also known as c.5216_5218insAAA, p.Thr1739Ter. ClinVar contains an entry for this variant (Variation ID: 825556). For these reasons, this variant has been classified as Pathogenic.

Literature cited by the submitters: PubMed 20104584 (cited by Labcorp Genetics (formerly Invitae), Labcorp); PubMed 31771539 (cited by Labcorp Genetics (formerly Invitae), Labcorp).